The following is an entry in ClinVar:

ClinVar aggregate classification (germline): Benign (1 of 4 stars; one submission).

Submission:

ISCA site 4
Classification: Benign. Last evaluated: 2011-08-12. Review status: criteria provided, single submitter. Criteria: Kaminsky et al. (Genet Med. 2011). Collection method: clinical testing. Allele origin: unknown. Affected: yes. Observed: 1 variant allele.
Comment: Copy number variation identified through the course of routine clinical cytogenomic testing in postnatal populations. Clinical assertions have been curated as described in Kaminsky et al. 2011.

GRCh38/hg38 6q27(chr6:167963663-168157303)x3

Genes: AFDN (afadin, adherens junction formation factor; plus strand), FRMD1 (FERM domain containing 1; minus strand), HGC6.3 (uncharacterized LOC100128124; minus strand), KIF25 (kinesin family member 25; plus strand), KIF25-AS1 (KIF25 antisense RNA 1; minus strand) and 2 more. Cytogenetic location: 6q27.
Variant type: copy number gain.
Change: copy number 3 (three copies instead of two) of chr6:167,963,663-168,157,303 (193.6 kb, GRCh38 coordinates, 1-based), cytogenetic band 6q27.
Identifiers: ClinVar variation 161027 (VCV000161027.1).